The following is an entry in ClinVar:

NM_000268.4(NF2):c.982G>A (p.Glu328Lys)

Gene: NF2 (NF2, moesin-ezrin-radixin like (MERLIN) tumor suppressor; plus strand). Cytogenetic location: 22q12.2.
Variant type: single nucleotide variant.
Coding change: c.982G>A on transcript NM_000268.4 (MANE Select); coding-DNA position 982, G replaced by A.
Protein change: p.Glu328Lys; replaces glutamic acid 328 with lysine.
Molecular consequence: missense variant. On other transcripts: non-coding transcript variant (1), intron variant (1).
Genome position (GRCh38, 1-based): chr22:29,668,429, G>A. VCF-style: chr22-29668429-G-A. GRCh37 (hg19) VCF-style: chr22-30064418-G-A.
Other names: c.868G>A, p.Glu290Lys (NM_001407053.1, NM_001407056.1); c.859G>A, p.Glu287Lys (NM_001407054.1, NM_001407058.1, NM_181829.3); c.856G>A, p.Glu286Lys (NM_001407055.1, NM_181828.3); c.847G>A, p.Glu283Lys (NM_001407057.1, NM_001407059.1); c.982G>A, p.Glu328Lys (NM_001407060.1, NM_001407066.1, NM_016418.5 and 2 more transcripts); c.724G>A, p.Glu242Lys (NM_001407062.1); c.733G>A, p.Glu245Lys (NM_001407063.1, NM_001407064.1, NM_181830.3 and 1 more transcripts); c.448G>A, p.Glu150Lys (NM_001407065.1); and 2 more; short protein forms E251K, E245K, E286K, E287K, E150K, E242K, E283K, E290K.
Identifiers: ClinVar variation 3919125 (VCV003919125.1).

ClinVar aggregate classification (germline): Uncertain significance (1 of 4 stars; one submission).

Conditions:
Hereditary cancer-predisposing syndrome. Also called: Hereditary Cancer Syndrome; Hereditary neoplastic syndrome; Neoplastic Syndromes, Hereditary; Tumor predisposition. Identifiers: Orphanet 140162, MedGen C0027672, MeSH D009386, MONDO:0015356.

gnomAD v4.1: 2 of 1,613,714 alleles (0.00012%); highest among the groups gnomAD compares: East Asian, 0.0022%; no homozygotes.

Submission:

Ambry Genetics
Classification: Uncertain significance for Hereditary cancer-predisposing syndrome. Last evaluated: 2025-03-18. Review status: criteria provided, single submitter. Criteria: Ambry Variant Classification Scheme 2023. Collection method: clinical testing. Allele origin: germline.
Comment: The p.E328K variant (also known as c.982G>A), located in coding exon 10 of the NF2 gene, results from a G to A substitution at nucleotide position 982. The glutamic acid at codon 328 is replaced by lysine, an amino acid with similar properties. This amino acid position is conserved. In addition, this alteration is predicted to be deleterious by in silico analysis. Based on the available evidence, the clinical significance of this variant remains unclear.